The following is an entry in ClinVar:

ClinVar aggregate classification (germline): Conflicting classifications of pathogenicity. Review status: criteria provided, conflicting classifications (1 of 4 stars). 4 submissions from 4 submitters: Uncertain significance (3); Likely benign (1). Last evaluated 2025-10-14.

Conditions:
Epilepsy, idiopathic generalized, susceptibility to, 8. Identifiers: MedGen C2752062, MONDO:0013032, OMIM 612899.
Autosomal dominant hypocalcemia 1 (HYPOC1). Also called: HYPOCALCEMIA, FAMILIAL. Identifiers: MedGen C3715128, MONDO:0011013, OMIM 601198.
Familial hypocalciuric hypercalcemia 1. Also called: Hypercalcemia, familial benign type 1. Identifiers: Orphanet 405, Orphanet 93372, MedGen C0342637, MONDO:0007791, OMIM 145980.
Neonatal severe primary hyperparathyroidism. Identifiers: Orphanet 417, MedGen C1832615, MONDO:0009397, OMIM 239200.
Familial hypocalciuric hypercalcemia (FHH). Also called: Familial benign hypercalcemia. Identifiers: Orphanet 405, MedGen C1809471, MONDO:0018458.
Nephrolithiasis/nephrocalcinosis. Identifiers: MedGen CN580796.

Allele frequency attached by ClinVar (database versions not stated): ExAC 0.00001; gnomAD exomes 0.00002 and 0.00005; TOPMed 0.00002; gnomAD 0.00003 and 0.00004.
gnomAD v4.1: 91 of 1,614,082 alleles (0.0056%); highest among the groups gnomAD compares: Middle Eastern, 0.049%; 1 homozygote.

Submissions (4):

Labcorp Genetics (formerly Invitae), Labcorp
Classification: Likely benign for Familial hypocalciuric hypercalcemia; Autosomal dominant hypocalcemia 1. Last evaluated: 2025-10-14. Review status: criteria provided, single submitter. Criteria: Invitae Variant Classification Sherloc (09022015). Collection method: clinical testing. Allele origin: germline.

Blueprint Genetics
Classification: Uncertain significance. Last evaluated: 2024-09-17. Review status: criteria provided, single submitter. Criteria: ACMG Guidelines, 2015. Collection method: clinical testing. Allele origin: germline.

Ambry Genetics
Classification: Uncertain significance for Nephrolithiasis/nephrocalcinosis. Last evaluated: 2023-11-02. Review status: criteria provided, single submitter. Criteria: Ambry Variant Classification Scheme 2023. Collection method: clinical testing. Allele origin: germline.
Comment: The p.N1074D variant (also known as c.3220A>G), located in coding exon 6 of the CASR gene, results from an A to G substitution at nucleotide position 3220. The asparagine at codon 1074 is replaced by aspartic acid, an amino acid with highly similar properties. This amino acid position is highly conserved in available vertebrate species. In addition, the in silico prediction for this alteration is inconclusive. Since supporting evidence is limited at this time, the clinical significance of this alteration remains unclear.

Fulgent Genetics
Classification: Uncertain significance for Familial hypocalciuric hypercalcemia 1; Neonatal severe primary hyperparathyroidism; Autosomal dominant hypocalcemia 1; Epilepsy, idiopathic generalized, susceptibility to, 8. Last evaluated: 2022-02-15. Review status: criteria provided, single submitter. Criteria: ACMG Guidelines, 2015. Collection method: clinical testing. Allele origin: unknown.

NM_000388.4(CASR):c.3220A>G (p.Asn1074Asp)

Gene: CASR (calcium sensing receptor; plus strand). Cytogenetic location: 3q21.1.
Variant type: single nucleotide variant.
Coding change: c.3220A>G on transcript NM_000388.4 (MANE Select); coding-DNA position 3220, A replaced by G.
Protein change: p.Asn1074Asp; replaces asparagine 1074 with aspartic acid.
Molecular consequence: missense variant.
Genome position (GRCh38, 1-based): chr3:122,285,174, A>G. VCF-style: chr3-122285174-A-G. GRCh37 (hg19) VCF-style: chr3-122004021-A-G.
Other names: c.3250A>G, p.Asn1084Asp (NM_001178065.2); short protein forms N1074D, N1084D.
Identifiers: ClinVar variation 463949 (VCV000463949.13), dbSNP rs775066593, ClinGen allele CA2569947.